The following is an entry in ClinVar:

NM_001005373.4(LRSAM1):c.449G>A (p.Arg150Gln)

Gene: LRSAM1 (leucine rich repeat and sterile alpha motif containing 1; plus strand). Cytogenetic location: 9q33.3.
Variant type: single nucleotide variant.
Coding change: c.449G>A on transcript NM_001005373.4 (MANE Select); coding-DNA position 449, G replaced by A.
Protein change: p.Arg150Gln; replaces arginine 150 with glutamine.
Molecular consequence: missense variant. On other transcripts: 5 prime UTR variant (1), non-coding transcript variant (2).
Genome position (GRCh38, 1-based): chr9:127,462,294, G>A. VCF-style: chr9-127462294-G-A. GRCh37 (hg19) VCF-style: chr9-130224573-G-A.
Other names: c.449G>A (NM_138361.4); c.449G>A, p.Arg150Gln (NM_001005374.4, NM_001190723.3, NM_001384142.1 and 2 more transcripts); c.-336G>A (NM_001384144.1); short protein forms R150Q.
Identifiers: ClinVar variation 1509027 (VCV001509027.9), dbSNP rs200115008, ClinGen allele CA199846805.
Genomic context (GRCh38, chr9:127,462,294, plus strand): 5'-CTATTGGGGTCTCTGCAGACAACAAGCTGAAGGAGCTTCCAGACACCGTGGGGGAGCTTC[G>A]AAGCCTGCGTACCCTCAACATCAGTGGAAACGAGATCCAGAGATTGCCGCAGATGCTGGC-3'
Protein context (NP_001005373.1, residues 140-160): KELPDTVGEL[Arg150Gln]SLRTLNISGN

ClinVar aggregate classification (germline): Uncertain significance. Review status: criteria provided, multiple submitters, no conflicts (2 of 4 stars). 2 submissions from 2 submitters: Uncertain significance (2). Last evaluated 2026-05-12.

Conditions:
Charcot-Marie-Tooth disease axonal type 2P. Also called: CHARCOT-MARIE-TOOTH NEUROPATHY, TYPE 2P; CHARCOT-MARIE-TOOTH DISEASE, AXONAL, TYPE 2G; CMT 2G; Charcot-Marie-Tooth Neuropathy Type 2G. Identifiers: Orphanet 300319, Orphanet 99941, MedGen C3280797, MONDO:0013753, OMIM 614436.
Inborn genetic diseases. Identifiers: MedGen C0950123, MeSH D030342.

Allele frequency attached by ClinVar (database versions not stated): gnomAD 0.00001; gnomAD exomes 0.00001.

Submissions (2):

Ambry Genetics
Classification: Uncertain significance for Inborn genetic diseases. Last evaluated: 2026-05-12. Review status: criteria provided, single submitter. Criteria: Ambry Variant Classification Scheme 2023. Collection method: clinical testing. Allele origin: germline.

Labcorp Genetics (formerly Invitae), Labcorp
Classification: Uncertain significance for Charcot-Marie-Tooth disease axonal type 2P. Last evaluated: 2023-01-23. Review status: criteria provided, single submitter. Criteria: Invitae Variant Classification Sherloc (09022015). Collection method: clinical testing. Allele origin: germline.
Comment: This sequence change replaces arginine, which is basic and polar, with glutamine, which is neutral and polar, at codon 150 of the LRSAM1 protein (p.Arg150Gln). This variant is not present in population databases (gnomAD no frequency). This variant has not been reported in the literature in individuals affected with LRSAM1-related conditions. ClinVar contains an entry for this variant (Variation ID: 1509027). Advanced modeling of protein sequence and biophysical properties (such as structural, functional, and spatial information, amino acid conservation, physicochemical variation, residue mobility, and thermodynamic stability) performed at Invitae indicates that this missense variant is not expected to disrupt LRSAM1 protein function. In summary, the available evidence is currently insufficient to determine the role of this variant in disease. Therefore, it has been classified as a Variant of Uncertain Significance.